The following is an entry in ClinVar:

NM_000170.3(GLDC):c.3002C>T (p.Thr1001Ile)

Gene: GLDC (glycine decarboxylase; minus strand). Cytogenetic location: 9p24.1.
Variant type: single nucleotide variant.
Coding change: c.3002C>T on transcript NM_000170.3 (MANE Select); coding-DNA position 3002, C replaced by T.
Protein change: p.Thr1001Ile; replaces threonine 1001 with isoleucine.
Molecular consequence: missense variant.
Genome position (GRCh38, 1-based): chr9:6,533,078, G>A on the plus strand (C>T on the coding strand, the complement: GLDC is on the minus strand). VCF-style: chr9-6533078-G-A. GRCh37 (hg19) VCF-style: chr9-6533078-G-A.
Other names: short protein forms T1001I.
Identifiers: ClinVar variation 1328904 (VCV001328904.2), dbSNP rs555776146, ClinGen allele CA188643284.

ClinVar aggregate classification (germline): Uncertain significance (1 of 4 stars; one submission).

gnomAD v4.1: 12 of 1,611,142 alleles (0.00074%); highest among the groups gnomAD compares: Non-Finnish European, 0.00085%; no homozygotes.

Submission:

GeneDx
Classification: Uncertain significance. Last evaluated: 2021-06-18. Review status: criteria provided, single submitter. Criteria: GeneDx Variant Classification Process June 2021. Collection method: clinical testing. Allele origin: germline. Affected: yes.
Comment: Not observed at significant frequency in large population cohorts (Lek et al., 2016); In silico analysis supports that this missense variant has a deleterious effect on protein structure/function; Has not been previously published as pathogenic or benign to our knowledge; This variant is associated with the following publications: (PMID: 27535533)